The following is an entry in ClinVar:

NM_016507.4(CDK12):c.1838T>C (p.Val613Ala)

Gene: CDK12 (cyclin dependent kinase 12; plus strand). Cytogenetic location: 17q12.
Variant type: single nucleotide variant.
Coding change: c.1838T>C on transcript NM_016507.4 (MANE Select); coding-DNA position 1838, T replaced by C.
Protein change: p.Val613Ala; replaces valine 613 with alanine.
Molecular consequence: missense variant.
Genome position (GRCh38, 1-based): chr17:39,471,670, T>C. VCF-style: chr17-39471670-T-C. GRCh37 (hg19) VCF-style: chr17-37627923-T-C.
Other names: c.1838T>C, p.Val613Ala (NM_015083.4); short protein forms V613A.
Identifiers: ClinVar variation 4841696 (VCV004841696.1).

ClinVar aggregate classification (germline): Uncertain significance (1 of 4 stars; one submission).

Submission:

Ambry Genetics
Classification: Uncertain significance. Last evaluated: 2026-01-03. Review status: criteria provided, single submitter. Criteria: Ambry Variant Classification Scheme 2023. Collection method: clinical testing. Allele origin: germline.
Comment: The p.V613A variant (also known as c.1838T>C), located in coding exon 2 of the CDK12 gene, results from a T to C substitution at nucleotide position 1838. The valine at codon 613 is replaced by alanine, an amino acid with similar properties. This amino acid position is conserved. In addition, this alteration is predicted to be tolerated by in silico analysis. Based on the available evidence, the clinical significance of this variant remains unclear.